The following is an entry in ClinVar:

NM_002547.3(OPHN1):c.1070G>A (p.Arg357Lys)

Gene: OPHN1 (oligophrenin 1; minus strand). Cytogenetic location: Xq12.
Variant type: single nucleotide variant.
Coding change: c.1070G>A on transcript NM_002547.3 (MANE Select); coding-DNA position 1070, G replaced by A.
Protein change: p.Arg357Lys; replaces arginine 357 with lysine.
Molecular consequence: missense variant.
Genome position (GRCh38, 1-based): chrX:68,197,220, C>T on the plus strand (G>A on the coding strand, the complement: OPHN1 is on the minus strand). VCF-style: chrX-68197220-C-T. GRCh37 (hg19) VCF-style: chrX-67417062-C-T.
Other names: short protein forms R357K.
Identifiers: ClinVar variation 2501948 (VCV002501948.1), dbSNP rs2519789737, ClinGen allele CA413433156.

ClinVar aggregate classification (germline): Uncertain significance (1 of 4 stars; one submission).

gnomAD v4.1: 1 of 1,209,625 alleles (0.000083%); no homozygotes.

Submission:

GeneDx
Classification: Uncertain significance. Last evaluated: 2022-11-10. Review status: criteria provided, single submitter. Criteria: GeneDx Variant Classification Process June 2021. Collection method: clinical testing. Allele origin: germline. Affected: yes.
Comment: Not observed at significant frequency in large population cohorts (gnomAD); In silico analysis supports that this missense variant does not alter protein structure/function; Has not been previously published as pathogenic or benign to our knowledge